The following is an entry in ClinVar:

ClinVar aggregate classification (germline): Benign/Likely benign. Review status: criteria provided, multiple submitters, no conflicts (2 of 4 stars). 2 submissions from 2 submitters: Benign (1); Likely benign (1). Last evaluated 2026-08-01.

Allele frequency attached by ClinVar (database versions not stated): ESP Exome Variant Server 0.00595; 1000 Genomes Project 30x 0.00312; 1000 Genomes Project 0.00319; gnomAD 0.00423 and 0.00439; TOPMed 0.00455.
gnomAD v4.1: 9,163 of 1,602,908 alleles (0.57%); highest among the groups gnomAD compares: Non-Finnish European, 0.71%; 29 homozygotes.

Submissions (2):

CeGaT Center for Human Genetics Tuebingen
Classification: Likely benign. Last evaluated: 2026-08-01. Review status: criteria provided, single submitter. Criteria: CeGaT Center For Human Genetics Tuebingen Variant Classification Criteria Version 2. Collection method: clinical testing. Allele origin: germline. Affected: yes. Observed: 10 variant alleles.
Comment: FOXP4: BP4, BS2

Labcorp Genetics (formerly Invitae), Labcorp
Classification: Benign. Last evaluated: 2018-07-07. Review status: criteria provided, single submitter. Criteria: Invitae Variant Classification Sherloc (09022015). Collection method: clinical testing. Allele origin: germline.

NM_001012426.2(FOXP4):c.1789G>A (p.Ala597Thr)

Gene: FOXP4 (forkhead box P4; plus strand). Cytogenetic location: 6p21.1.
Variant type: single nucleotide variant.
Coding change: c.1789G>A on transcript NM_001012426.2 (MANE Select); coding-DNA position 1789, G replaced by A.
Protein change: p.Ala597Thr; replaces alanine 597 with threonine.
Molecular consequence: missense variant.
Genome position (GRCh38, 1-based): chr6:41,597,844, G>A. VCF-style: chr6-41597844-G-A. GRCh37 (hg19) VCF-style: chr6-41565582-G-A.
Other names: c.1783G>A, p.Ala595Thr (NM_001012427.2); c.1750G>A, p.Ala584Thr (NM_138457.3); short protein forms A584T, A595T, A597T.
Identifiers: ClinVar variation 719970 (VCV000719970.16), dbSNP rs141279563, ClinGen allele CA3800867.